The following is an entry in ClinVar:

ClinVar aggregate classification (germline): Uncertain significance (1 of 4 stars; one submission).

Conditions:
Leigh syndrome (NULS). Also called: Leigh's necrotizing encephalopathy; Leigh's disease; Leigh Syndrome (mtDNA deletion); Leigh Disease; Subacute necrotizing encephalopathy; Necrotizing encephalopathy infantile subacute of Leigh. Identifiers: Orphanet 506, MedGen C2931891, MONDO:0009723, OMIM 256000.

Submission:

Wong Mito Lab, Molecular and Human Genetics, Baylor College of Medicine
Classification: Uncertain significance for Leigh syndrome. Last evaluated: 2019-10-17. Review status: criteria provided, single submitter. Criteria: Modified ACMG Guidelines (Unpublished). Collection method: clinical testing. Allele origin: germline.
Comment: The NC_012920.1:m.13162C>A (YP_003024036.1:p.Leu276Met) variant in MTND5 gene is interpretated to be a Uncertain Significance variant based on the modified ACMG guidelines (unpublished). This variant meets the following evidence codes: PP7

NC_012920.1(MT-ND5):m.13162C>A

Gene: MT-ND5 (mitochondrially encoded NADH dehydrogenase 5; plus strand).
Variant type: single nucleotide variant.
Genome position: chrM-13162-C-A.
Identifiers: ClinVar variation 693531 (VCV000693531.1), dbSNP rs1603224073, ClinGen allele CA414816753.
Genomic context (GRCh38, chrMT:13,162, plus strand): 5'-GGAATCTTCTTACTCATCCGCTTCCACCCCCTAGCAGAAAATAGCCCACTAATCCAAACT[C>A]TAACACTATGCTTAGGCGCTATCACCACTCTGTTCGCAGCAGTCTGCGCCCTTACACAAA-3'